The following is an entry in ClinVar:

NM_017662.5(TRPM6):c.1207+6T>C

Gene: TRPM6 (transient receptor potential cation channel subfamily M member 6; minus strand). Cytogenetic location: 9q21.13.
Variant type: single nucleotide variant.
Coding change: c.1207+6T>C on transcript NM_017662.5 (MANE Select); 6 bases into the intron after coding-DNA position 1207, T replaced by C.
Molecular consequence: intron variant.
Genome position (GRCh38, 1-based): chr9:74,816,886, A>G on the plus strand (T>C on the coding strand, the complement: TRPM6 is on the minus strand). VCF-style: chr9-74816886-A-G. GRCh37 (hg19) VCF-style: chr9-77431802-A-G.
Other names: p.?; c.1192+6T>C (NM_001177310.2, NM_001177311.2).
Identifiers: ClinVar variation 367325 (VCV000367325.16), dbSNP rs139475376, ClinGen allele CA5084934.

ClinVar aggregate classification (germline): Benign. Review status: criteria provided, multiple submitters, no conflicts (2 of 4 stars). 4 submissions from 4 submitters: Benign (4). Last evaluated 2026-01-27.

Conditions:
Intestinal hypomagnesemia 1. Also called: HYPOMAGNESEMIA, INTESTINAL, WITH SECONDARY HYPOCALCEMIA; HYPOMAGNESEMIC TETANY. Identifiers: Orphanet 30924, MedGen C1865974, MONDO:0011176, OMIM 602014.

Allele frequency attached by ClinVar (database versions not stated): gnomAD exomes 0.00096 and 0.00267; ExAC 0.00339; 1000 Genomes Project 30x 0.01015; ESP Exome Variant Server 0.01030; 1000 Genomes Project 0.01038; gnomAD 0.01077 and 0.01166; TOPMed 0.01207.
gnomAD v4.1: 3,093 of 1,613,936 alleles (0.19%); highest among the groups gnomAD compares: African/African-American, 3.7%; 64 homozygotes.

Submissions (5):

Labcorp Genetics (formerly Invitae), Labcorp
Classification: Benign. Last evaluated: 2026-01-27. Review status: criteria provided, single submitter. Criteria: Invitae Variant Classification Sherloc (09022015). Collection method: clinical testing. Allele origin: germline.

Mayo Clinic Laboratories, Mayo Clinic
Classification: Benign. Last evaluated: 2024-10-07. Review status: criteria provided, single submitter. Criteria: ACMG Guidelines, 2015. Collection method: clinical testing. Allele origin: germline. Observed: 4 variant alleles.
Comment: BS1, BS2, BP4, BP7

Illumina Laboratory Services, Illumina
Classification: Benign for Intestinal hypomagnesemia 1. Last evaluated: 2018-01-12. Review status: criteria provided, single submitter. Criteria: ICSL Variant Classification Criteria 13 December 2019. Collection method: clinical testing. Allele origin: germline.
Comment: This variant was observed in the ICSL laboratory as part of a predisposition screen in an ostensibly healthy population. It had not been previously curated by ICSL or reported in the Human Gene Mutation Database (HGMD: prior to June 1st, 2018), and was therefore a candidate for classification through an automated scoring system. Utilizing variant allele frequency, disease prevalence and penetrance estimates, and inheritance mode, an automated score was calculated to assess if this variant is too frequent to cause the disease. Based on the score and internal cut-off values, a variant classified as benign is not then subjected to further curation. The score for this variant resulted in a classification of benign for this disease.

Breakthrough Genomics
Classification: Benign. Review status: criteria provided, single submitter. Criteria: ACMG Guidelines, 2015. Collection method: not provided. Allele origin: germline. Inheritance: Autosomal recessive inheritance. Affected: yes.

Dr. Peter K. Rogan Lab, Western University
No classification provided (evidence only). Condition: Malignant tumor of esophagus. Review status: no classification provided. Collection method: in vitro. Allele origin: not applicable. Functional consequence: retained intron. Not counted in ClinVar's aggregate classification.